The following is an entry in ClinVar:

NM_001080442.3(SLC38A8):c.214G>A (p.Gly72Arg)

Gene: SLC38A8 (solute carrier family 38 member 8; minus strand). Cytogenetic location: 16q23.3.
Variant type: single nucleotide variant.
Coding change: c.214G>A on transcript NM_001080442.3 (MANE Select); coding-DNA position 214, G replaced by A.
Protein change: p.Gly72Arg; replaces glycine 72 with arginine.
Molecular consequence: missense variant.
Genome position (GRCh38, 1-based): chr16:84,036,876, C>T on the plus strand (G>A on the coding strand, the complement: SLC38A8 is on the minus strand). VCF-style: chr16-84036876-C-T. GRCh37 (hg19) VCF-style: chr16-84070481-C-T.
Other names: short protein forms G72R.
Identifiers: ClinVar variation 3715736 (VCV003715736.2).

ClinVar aggregate classification (germline): Uncertain significance (1 of 4 stars; one submission).

gnomAD v4.1: 13 of 1,612,834 alleles (0.00081%); highest among the groups gnomAD compares: Admixed American, 0.0083%; no homozygotes.

Submission:

Labcorp Genetics (formerly Invitae), Labcorp
Classification: Uncertain significance. Last evaluated: 2025-03-26. Review status: criteria provided, single submitter. Criteria: Invitae Variant Classification Sherloc (09022015). Collection method: clinical testing. Allele origin: germline.
Comment: This sequence change replaces glycine, which is neutral and non-polar, with arginine, which is basic and polar, at codon 72 of the SLC38A8 protein (p.Gly72Arg). The frequency data for this variant in the population databases is considered unreliable, as metrics indicate poor data quality at this position in the gnomAD database. This missense change has been observed in individual(s) with clinical features of SLC38A8-related conditions (internal data). In at least one individual the data is consistent with being in trans (on the opposite chromosome) from a pathogenic variant. Invitae Evidence Modeling of protein sequence and biophysical properties (such as structural, functional, and spatial information, amino acid conservation, physicochemical variation, residue mobility, and thermodynamic stability) indicates that this missense variant is expected to disrupt SLC38A8 protein function with a positive predictive value of 80%. In summary, the available evidence is currently insufficient to determine the role of this variant in disease. Therefore, it has been classified as a Variant of Uncertain Significance.